The following is an entry in ClinVar:

NM_000059.4(BRCA2):c.4963T>A (p.Tyr1655Asn)

Gene: BRCA2 (BRCA2 DNA repair associated; plus strand). Cytogenetic location: 13q13.1.
Variant type: single nucleotide variant.
Coding change: c.4963T>A on transcript NM_000059.4 (MANE Select); coding-DNA position 4963, T replaced by A.
Protein change: p.Tyr1655Asn; replaces tyrosine 1655 with asparagine.
Molecular consequence: missense variant. On other transcripts: non-coding transcript variant (1), intron variant (2).
Genome position (GRCh38, 1-based): chr13:32,339,318, T>A. VCF-style: chr13-32339318-T-A. GRCh37 (hg19) VCF-style: chr13-32913455-T-A.
Other names: c.4963T>A, p.Tyr1655Asn (NM_001406719.1, NM_001406720.1); c.1910-5240T>A (NM_001406721.1); c.425-5240T>A (NM_001406722.1); short protein forms Y1655N.
Identifiers: ClinVar variation 2451531 (VCV002451531.2), dbSNP rs1593903956, ClinGen allele CA387783794.

ClinVar aggregate classification (germline): Uncertain significance (1 of 4 stars; one submission).

Conditions:
Hereditary cancer-predisposing syndrome. Also called: Neoplastic Syndromes, Hereditary; Tumor predisposition; Hereditary neoplastic syndrome; Hereditary Cancer Syndrome. Identifiers: Orphanet 140162, MedGen C0027672, MeSH D009386, MONDO:0015356.

Submission:

Ambry Genetics
Classification: Uncertain significance for Hereditary cancer-predisposing syndrome. Last evaluated: 2023-01-08. Review status: criteria provided, single submitter. Criteria: Ambry Variant Classification Scheme 2023. Collection method: clinical testing. Allele origin: germline.
Comment: The p.Y1655N variant (also known as c.4963T>A), located in coding exon 10 of the BRCA2 gene, results from a T to A substitution at nucleotide position 4963. The tyrosine at codon 1655 is replaced by asparagine, an amino acid with dissimilar properties. This amino acid position is conserved. In addition, this alteration is predicted to be tolerated by in silico analysis. Since supporting evidence is limited at this time, the clinical significance of this alteration remains unclear.